The following is an entry in ClinVar:

ClinVar aggregate classification (germline): Pathogenic (1 of 4 stars; one submission).

Conditions:
Inborn genetic diseases. Identifiers: MedGen C0950123, MeSH D030342.

Submission:

Ambry Genetics
Classification: Pathogenic for Inborn genetic diseases. Last evaluated: 2022-11-23. Review status: criteria provided, single submitter. Criteria: Ambry Variant Classification Scheme 2023. Collection method: clinical testing. Allele origin: germline.
Comment: The c.133delG (p.A45Qfs*15) alteration, located in exon 3 (coding exon 2) of the FTSJ1 gene, consists of a deletion of one nucleotide at position 133, causing a translational frameshift with a predicted alternate stop codon after 15 amino acids. This alteration is expected to result in loss of function by premature protein truncation or nonsense-mediated mRNA decay. This variant was not reported in population-based cohorts in the Genome Aggregation Database (gnomAD). Based on the available evidence, this alteration is classified as pathogenic.

NM_012280.4(FTSJ1):c.133del (p.Ala45fs)

Gene: FTSJ1 (FtsJ RNA 2'-O-methyltransferase 1; plus strand). Cytogenetic location: Xp11.23.
Variant type: Deletion.
Coding change: c.133del on transcript NM_012280.4 (MANE Select); coding-DNA position 133, one base deleted (G; older notation c.133delG).
Protein change: p.Ala45fs; shifts the reading frame from alanine 45.
Molecular consequence: frameshift variant. On other transcripts: intron variant (1).
Genome position (GRCh38, 1-based): chrX:48,478,460, G deleted; the last of 3 consecutive G bases (chrX:48,478,458-48,478,460); deleting any one gives the same sequence. VCF-style (leftmost placement, unchanged base first): chrX-48478457-CG-C. GRCh37 (hg19) VCF-style: chrX-48336845-CG-C.
Other names: c.133del, p.Ala45fs (NM_177439.3, NM_001441195.1, NM_001441196.1 and 4 more transcripts); c.-76-578del (NM_001282157.2); short protein forms A45fs.
Identifiers: ClinVar variation 2317952 (VCV002317952.2), dbSNP rs2519382131, ClinGen allele CA2580101037.